The following is an entry in ClinVar:

ClinVar aggregate classification (germline): Uncertain significance (1 of 4 stars; one submission).

Allele frequency attached by ClinVar (database versions not stated): TOPMed 0.00001.

Submission:

Labcorp Genetics (formerly Invitae), Labcorp
Classification: Uncertain significance. Last evaluated: 2024-07-11. Review status: criteria provided, single submitter. Criteria: Invitae Variant Classification Sherloc (09022015). Collection method: clinical testing. Allele origin: germline.
Comment: This sequence change replaces serine, which is neutral and polar, with tyrosine, which is neutral and polar, at codon 600 of the EMC1 protein (p.Ser600Tyr). This variant is not present in population databases (gnomAD no frequency). This variant has not been reported in the literature in individuals affected with EMC1-related conditions. ClinVar contains an entry for this variant (Variation ID: 1717151). Advanced modeling of protein sequence and biophysical properties (such as structural, functional, and spatial information, amino acid conservation, physicochemical variation, residue mobility, and thermodynamic stability) performed at Invitae indicates that this missense variant is not expected to disrupt EMC1 protein function with a negative predictive value of 80%. In summary, the available evidence is currently insufficient to determine the role of this variant in disease. Therefore, it has been classified as a Variant of Uncertain Significance.

NM_015047.3(EMC1):c.1799C>A (p.Ser600Tyr)

Genes: EMC1 (ER membrane protein complex subunit 1; minus strand), EMC1-AS1 (EMC1 antisense RNA 1; plus strand). Cytogenetic location: 1p36.13.
Variant type: single nucleotide variant.
Coding change: c.1799C>A on transcript NM_015047.3 (MANE Select); coding-DNA position 1799, C replaced by A.
Protein change: p.Ser600Tyr; replaces serine 600 with tyrosine.
Molecular consequence: missense variant.
Genome position (GRCh38, 1-based): chr1:19,231,406, G>T on the plus strand (C>A on the coding strand, the complement: EMC1 is on the minus strand). VCF-style: chr1-19231406-G-T. GRCh37 (hg19) VCF-style: chr1-19557900-G-T.
Other names: c.1796C>A, p.Ser599Tyr (NM_001271427.2, NM_001271428.2); c.1733C>A, p.Ser578Tyr (NM_001271429.2); c.1808C>A, p.Ser603Tyr (NM_001375820.1); c.1805C>A, p.Ser602Tyr (NM_001375821.1); short protein forms S578Y, S599Y, S600Y, S602Y, S603Y.
Identifiers: ClinVar variation 1717151 (VCV001717151.5), dbSNP rs2093520749, ClinGen allele CA338759981.